The following is an entry in ClinVar:

NM_006662.3(SRCAP):c.7074A>G (p.Gln2358=)

Gene: SRCAP (Snf2 related CREBBP activator protein; plus strand). Cytogenetic location: 16p11.2.
Variant type: single nucleotide variant.
Coding change: c.7074A>G on transcript NM_006662.3 (MANE Select); coding-DNA position 7074, A replaced by G.
Protein change: p.Gln2358=; no amino-acid change (glutamine 2358 retained).
Molecular consequence: synonymous variant.
Genome position (GRCh38, 1-based): chr16:30,737,114, A>G. VCF-style: chr16-30737114-A-G. GRCh37 (hg19) VCF-style: chr16-30748435-A-G.
Identifiers: ClinVar variation 3618399 (VCV003618399.3).

ClinVar aggregate classification (germline): Conflicting classifications of pathogenicity. Review status: criteria provided, conflicting classifications (1 of 4 stars). 2 submissions from 2 submitters: Uncertain significance (1); Likely benign (1). Last evaluated 2026-05-26.

Submissions (2):

Women's Health and Genetics/Laboratory Corporation of America, LabCorp
Classification: Uncertain significance. Last evaluated: 2026-05-26. Review status: criteria provided, single submitter. Criteria: LabCorp Variant Classification Summary - May 2015. Collection method: clinical testing. Allele origin: germline.
Comment: Variant summary: SRCAP c.7074A>G alters a conserved nucleotide resulting in a synonymous change. Several computational tools predict a significant impact on normal splicing: Three predict the variant creates a 3' acceptor site. One predict the variant abolishes a cryptic 3' acceptor site. However, these predictions have yet to be confirmed by functional studies. The variant was absent in 248694 control chromosomes. The available data on variant occurrences in the general population are insufficient to allow any conclusion about variant significance. To our knowledge, no occurrence of c.7074A>G in individuals affected with SRCAP-related conditions and no experimental evidence demonstrating its impact on protein function have been reported. ClinVar contains an entry for this variant (Variation ID: 3618399). Based on the evidence outlined above, the variant was classified as uncertain significance.

Labcorp Genetics (formerly Invitae), Labcorp
Classification: Likely benign. Last evaluated: 2024-01-25. Review status: criteria provided, single submitter. Criteria: Invitae Variant Classification Sherloc (09022015). Collection method: clinical testing. Allele origin: germline.